The following is an entry in ClinVar:

ClinVar aggregate classification (germline): Uncertain significance. Review status: criteria provided, multiple submitters, no conflicts (2 of 4 stars). 2 submissions from 2 submitters: Uncertain significance (2). Last evaluated 2022-12-31.

Conditions:
Cardiovascular phenotype. Identifiers: MedGen CN230736.
Long QT syndrome (LQTS). Identifiers: MedGen C0023976, MeSH D008133, MONDO:0002442. Disease mechanism: loss of function. Inheritance: Various modes of inheritance.

gnomAD v4.1: 1 of 1,613,760 alleles (0.000062%); highest among the groups gnomAD compares: Non-Finnish European, 0.000085%; no homozygotes.

Submissions (2):

Ambry Genetics
Classification: Uncertain significance for Cardiovascular phenotype. Last evaluated: 2022-12-31. Review status: criteria provided, single submitter. Criteria: Ambry Variant Classification Scheme 2023. Collection method: clinical testing. Allele origin: germline.
Comment: The p.N640K variant (also known as c.1920T>A), located in coding exon 18 of the ANK2 gene, results from a T to A substitution at nucleotide position 1920. The asparagine at codon 640 is replaced by lysine, an amino acid with similar properties. This amino acid position is conserved. In addition, this alteration is predicted to be tolerated by in silico analysis. Since supporting evidence is limited at this time, the clinical significance of this alteration remains unclear.

Labcorp Genetics (formerly Invitae), Labcorp
Classification: Uncertain significance for Long QT syndrome. Last evaluated: 2021-02-16. Review status: criteria provided, single submitter. Criteria: Invitae Variant Classification Sherloc (09022015). Collection method: clinical testing. Allele origin: germline.
Comment: This sequence change replaces asparagine with lysine at codon 640 of the ANK2 protein (p.Asn640Lys). The asparagine residue is highly conserved and there is a moderate physicochemical difference between asparagine and lysine. This variant is not present in population databases (ExAC no frequency). This variant has not been reported in the literature in individuals with ANK2-related conditions. In summary, the available evidence is currently insufficient to determine the role of this variant in disease. Therefore, it has been classified as a Variant of Uncertain Significance. Algorithms developed to predict the effect of missense changes on protein structure and function are either unavailable or do not agree on the potential impact of this missense change (SIFT: "Deleterious"; PolyPhen-2: "Probably Damaging"; Align-GVGD: "Class C0").

NM_001148.6(ANK2):c.1920T>A (p.Asn640Lys)

Gene: ANK2 (ankyrin 2; plus strand). Cytogenetic location: 4q26.
Variant type: single nucleotide variant.
Coding change: c.1920T>A on transcript NM_001148.6 (MANE Select); coding-DNA position 1920, T replaced by A.
Protein change: p.Asn640Lys; replaces asparagine 640 with lysine.
Molecular consequence: missense variant.
Genome position (GRCh38, 1-based): chr4:113,282,713, T>A. VCF-style: chr4-113282713-T-A. GRCh37 (hg19) VCF-style: chr4-114203869-T-A.
Other names: c.1710T>A, p.Asn570Lys (NM_001354269.3); c.1758T>A, p.Asn586Lys (NM_001354270.2, NM_001386156.1, NM_001354253.2 and 1 more transcripts); c.1734T>A, p.Asn578Lys (NM_001354271.2, NM_001386151.1, NM_001354260.2); c.1857T>A, p.Asn619Lys (NM_001354272.2, NM_001354275.2, NM_001386143.1 and 10 more transcripts); c.1722T>A, p.Asn574Lys (NM_001354273.2); c.1833T>A, p.Asn611Lys (NM_001354274.2, NM_001354276.2, NM_001386149.1 and 10 more transcripts); c.1635T>A, p.Asn545Lys (NM_001354277.2, NM_001386157.1); c.1965T>A, p.Asn655Lys (NM_001386152.1, NM_001386144.1, NM_001354230.2 and 5 more transcripts); and 9 more; short protein forms N570K, N586K, N611K, N619K, N626K, N636K, N607K, N655K.
Identifiers: ClinVar variation 1503685 (VCV001503685.9), dbSNP rs2153713584, ClinGen allele CA357913878.